The following is an entry in ClinVar:

NM_024408.4(NOTCH2):c.6530A>C (p.Gln2177Pro)

Gene: NOTCH2 (notch receptor 2; minus strand). Cytogenetic location: 1p12.
Variant type: single nucleotide variant.
Coding change: c.6530A>C on transcript NM_024408.4 (MANE Select); coding-DNA position 6530, A replaced by C.
Protein change: p.Gln2177Pro; replaces glutamine 2177 with proline.
Molecular consequence: missense variant.
Genome position (GRCh38, 1-based): chr1:119,916,192, T>G on the plus strand (A>C on the coding strand, the complement: NOTCH2 is on the minus strand). VCF-style: chr1-119916192-T-G. GRCh37 (hg19) VCF-style: chr1-120458815-T-G.
Other names: short protein forms Q2177P.
Identifiers: ClinVar variation 3679577 (VCV003679577.2).

ClinVar aggregate classification (germline): Uncertain significance (1 of 4 stars; one submission).

Conditions:
Hajdu-Cheney syndrome (HJCYS). Also called: Acroosteolysis dominant type; SERPENTINE FIBULA-POLYCYSTIC KIDNEY SYNDROME; ACROOSTEOLYSIS WITH OSTEOPOROSIS AND CHANGES IN SKULL AND MANDIBLE. Identifiers: Orphanet 955, MedGen C0917715, MONDO:0007057, OMIM 102500.

Submission:

Labcorp Genetics (formerly Invitae), Labcorp
Classification: Uncertain significance for Hajdu-Cheney syndrome. Last evaluated: 2025-01-23. Review status: criteria provided, single submitter. Criteria: Invitae Variant Classification Sherloc (09022015). Collection method: clinical testing. Allele origin: germline.
Comment: This sequence change replaces glutamine, which is neutral and polar, with proline, which is neutral and non-polar, at codon 2177 of the NOTCH2 protein (p.Gln2177Pro). This variant is not present in population databases (gnomAD no frequency). This variant has not been reported in the literature in individuals affected with NOTCH2-related conditions. Invitae Evidence Modeling of protein sequence and biophysical properties (such as structural, functional, and spatial information, amino acid conservation, physicochemical variation, residue mobility, and thermodynamic stability) indicates that this missense variant is not expected to disrupt NOTCH2 protein function with a negative predictive value of 80%. In summary, the available evidence is currently insufficient to determine the role of this variant in disease. Therefore, it has been classified as a Variant of Uncertain Significance.